The following is an entry in ClinVar:

ClinVar aggregate classification (germline): Uncertain significance. Review status: criteria provided, multiple submitters, no conflicts (2 of 4 stars). 2 submissions from 2 submitters: Uncertain significance (2). Last evaluated 2022-10-27.

Conditions:
Interstitial lung disease 2 (ILD2). Also called: FIBROCYSTIC PULMONARY DYSPLASIA; FIBROSING ALVEOLITIS, CRYPTOGENIC; Familial idiopathic pulmonary fibrosis. Identifiers: Orphanet 2032, Orphanet 79126, MedGen C5561926, MONDO:0800497, OMIM 178500, MONDO:0800029.

Allele frequency attached by ClinVar (database versions not stated): ExAC 0.00001; gnomAD exomes 0.00001.
gnomAD v4.1: 19 of 1,612,478 alleles (0.0012%); highest among the groups gnomAD compares: Admixed American, 0.01%; no homozygotes.

Submissions (2):

Labcorp Genetics (formerly Invitae), Labcorp
Classification: Uncertain significance. Last evaluated: 2022-10-27. Review status: criteria provided, single submitter. Criteria: Invitae Variant Classification Sherloc (09022015). Collection method: clinical testing. Allele origin: germline.
Comment: In summary, the available evidence is currently insufficient to determine the role of this variant in disease. Therefore, it has been classified as a Variant of Uncertain Significance. Algorithms developed to predict the effect of missense changes on protein structure and function (SIFT, PolyPhen-2, Align-GVGD) all suggest that this variant is likely to be disruptive. ClinVar contains an entry for this variant (Variation ID: 1705902). This variant has not been reported in the literature in individuals affected with NKX2-1-related conditions. This variant is present in population databases (rs775837863, gnomAD 0.02%). This sequence change replaces lysine, which is basic and polar, with glutamic acid, which is acidic and polar, at codon 211 of the NKX2-1 protein (p.Lys211Glu).

Alder lab, University of Pittsburgh
Classification: Uncertain significance for Interstitial lung disease 2. Last evaluated: 2022-08-01. Review status: criteria provided, single submitter. Criteria: ACMG Guidelines, 2015. Collection method: research. Allele origin: germline. Affected: yes.

NM_001079668.3(NKX2-1):c.631A>G (p.Lys211Glu)

Genes: NKX2-1 (NK2 homeobox 1; minus strand), SFTA3 (surfactant associated 3; minus strand). Cytogenetic location: 14q13.3.
Variant type: single nucleotide variant.
Coding change: c.631A>G on transcript NM_001079668.3 (MANE Select); coding-DNA position 631, A replaced by G.
Protein change: p.Lys211Glu; replaces lysine 211 with glutamic acid.
Molecular consequence: missense variant.
Genome position (GRCh38, 1-based): chr14:36,517,853, T>C on the plus strand (A>G on the coding strand, the complement: NKX2-1 is on the minus strand). VCF-style: chr14-36517853-T-C. GRCh37 (hg19) VCF-style: chr14-36987058-T-C.
Other names: c.541A>G, p.Lys181Glu (NM_003317.4); short protein forms K181E, K211E.
Identifiers: ClinVar variation 1705902 (VCV001705902.6), dbSNP rs775837863, ClinGen allele CA7158465.
Genomic context (GRCh38, chr14:36,517,853, plus strand): 5'-TCAGGTGGATCATGCTGGCCAGGTGCTCGCGCTCCGGCGCCGACAGGTACTTCTGTTGCT[T>C]GAAGCGTCGCTCCAGCTCGTACACCTGCGCCTGCGAGAAGAGCACCCGGCGCTTCCTGCG-3'
Protein context (NP_001073136.1, residues 201-221): AQVYELERRF[Lys211Glu]QQKYLSAPER